The following is an entry in ClinVar:

ClinVar aggregate classification (germline): Uncertain significance. Review status: criteria provided, multiple submitters, no conflicts (2 of 4 stars). 2 submissions from 2 submitters: Uncertain significance (2). Last evaluated 2024-09-27.

Conditions:
Hereditary nonpolyposis colorectal neoplasms. Identifiers: MedGen C0009405, MeSH D003123.
Hereditary cancer-predisposing syndrome. Also called: Tumor predisposition; Hereditary neoplastic syndrome; Hereditary Cancer Syndrome; Neoplastic Syndromes, Hereditary. Identifiers: Orphanet 140162, MedGen C0027672, MeSH D009386, MONDO:0015356.

Submissions (2):

Ambry Genetics
Classification: Uncertain significance for Hereditary cancer-predisposing syndrome. Last evaluated: 2024-09-27. Review status: criteria provided, single submitter. Criteria: Ambry Variant Classification Scheme 2023. Collection method: clinical testing. Allele origin: germline.
Comment: The p.E422D variant (also known as c.1266G>C), located in coding exon 11 of the PMS2 gene, results from a G to C substitution at nucleotide position 1266. The glutamic acid at codon 422 is replaced by aspartic acid, an amino acid with highly similar properties. This amino acid position is conserved. In addition, the in silico prediction for this alteration is inconclusive. Based on the available evidence, the clinical significance of this variant remains unclear.

Labcorp Genetics (formerly Invitae), Labcorp
Classification: Uncertain significance for Hereditary nonpolyposis colorectal neoplasms. Last evaluated: 2020-07-24. Review status: criteria provided, single submitter. Criteria: Invitae Variant Classification Sherloc (09022015). Collection method: clinical testing. Allele origin: germline.
Comment: This sequence change replaces glutamic acid with aspartic acid at codon 422 of the PMS2 protein (p.Glu422Asp). The glutamic acid residue is moderately conserved and there is a small physicochemical difference between glutamic acid and aspartic acid. This variant is not present in population databases (ExAC no frequency). This variant has not been reported in the literature in individuals with PMS2-related conditions. Advanced modeling of protein sequence and biophysical properties (such as structural, functional, and spatial information, amino acid conservation, physicochemical variation, residue mobility, and thermodynamic stability) performed at Invitae indicates that this missense variant is not expected to disrupt PMS2 protein function. In summary, the available evidence is currently insufficient to determine the role of this variant in disease. Therefore, it has been classified as a Variant of Uncertain Significance.

NM_000535.7(PMS2):c.1266G>C (p.Glu422Asp)

Gene: PMS2 (PMS1 homolog 2, mismatch repair system component; minus strand). Cytogenetic location: 7p22.1.
Variant type: single nucleotide variant.
Coding change: c.1266G>C on transcript NM_000535.7 (MANE Select); coding-DNA position 1266, G replaced by C.
Protein change: p.Glu422Asp; replaces glutamic acid 422 with aspartic acid.
Molecular consequence: missense variant. On other transcripts: non-coding transcript variant (1).
Genome position (GRCh38, 1-based): chr7:5,987,499, C>G on the plus strand (G>C on the coding strand, the complement: PMS2 is on the minus strand). VCF-style: chr7-5987499-C-G. GRCh37 (hg19) VCF-style: chr7-6027130-C-G.
Other names: c.861G>C, p.Glu287Asp (NM_001322003.2, NM_001322004.2, NM_001322005.2 and 1 more transcripts); c.1110G>C, p.Glu370Asp (NM_001322006.2); c.948G>C, p.Glu316Asp (NM_001322007.2, NM_001322008.2); c.705G>C, p.Glu235Asp (NM_001322010.2); c.333G>C, p.Glu111Asp (NM_001322011.2, NM_001322012.2); c.693G>C, p.Glu231Asp (NM_001322013.2); c.1266G>C, p.Glu422Asp (NM_001322014.2); c.957G>C, p.Glu319Asp (NM_001322015.2); and 1 more; short protein forms E111D, E231D, E235D, E287D, E316D, E319D, E370D, E422D.
Identifiers: ClinVar variation 1053403 (VCV001053403.10), dbSNP rs138049175, ClinGen allele CA366742452.